The following is an entry in ClinVar:

NM_001232.4(CASQ2):c.567C>G (p.Phe189Leu)

Gene: CASQ2 (calsequestrin 2; minus strand). Cytogenetic location: 1p13.1.
Variant type: single nucleotide variant.
Coding change: c.567C>G on transcript NM_001232.4 (MANE Select); coding-DNA position 567, C replaced by G.
Protein change: p.Phe189Leu; replaces phenylalanine 189 with leucine.
Molecular consequence: missense variant.
Genome position (GRCh38, 1-based): chr1:115,732,940, G>C on the plus strand (C>G on the coding strand, the complement: CASQ2 is on the minus strand). VCF-style: chr1-115732940-G-C. GRCh37 (hg19) VCF-style: chr1-116275561-G-C.
Other names: short protein forms F189L.
Identifiers: ClinVar variation 162814 (VCV000162814.77), dbSNP rs146664754, ClinGen allele CA175364.

ClinVar aggregate classification (germline): Conflicting classifications of pathogenicity. Review status: criteria provided, conflicting classifications (1 of 4 stars). 20 submissions from 20 submitters: Uncertain significance (9); Likely benign (7). 4 of the submissions do not count toward it. Last evaluated 2026-06-22.

Conditions:
Cardiovascular phenotype. Identifiers: MedGen CN230736.
CASQ2-related disorder. Also called: CASQ2-related condition.
Polymorphic ventricular tachycardia. Identifiers: MedGen C0344432, MONDO:0020575, HP:0031677.
Sudden unexplained death. Identifiers: MedGen C0520806.
Cardiomyopathy (CMYO). Also called: Cardiomyopathies. Identifiers: Orphanet 167848, MedGen C0878544, MONDO:0004994, HP:0001638. Inheritance: Various modes of inheritance.
Catecholaminergic polymorphic ventricular tachycardia 2. Also called: CASQ2-Related Catecholaminergic Polymorphic Ventricular Tachycardia; VENTRICULAR TACHYCARDIA, STRESS-INDUCED POLYMORPHIC 2. Identifiers: Orphanet 3286, MedGen C2677794, MONDO:0012762, OMIM 611938.
Catecholaminergic polymorphic ventricular tachycardia 1. Also called: RYR2-Related Catecholaminergic Polymorphic Ventricular Tachycardia; VENTRICULAR TACHYCARDIA, CATECHOLAMINERGIC POLYMORPHIC, 1, WITH OR WITHOUT ATRIAL DYSFUNCTION AND/OR DILATED CARDIOMYOPATHY; VENTRICULAR TACHYCARDIA, STRESS-INDUCED POLYMORPHIC 1. Identifiers: Orphanet 3286, MedGen C1631597, MONDO:0011484, OMIM 604772.

Allele frequency attached by ClinVar (database versions not stated): 1000 Genomes Project 30x 0.00031; 1000 Genomes Project 0.00040; gnomAD 0.00054 and 0.00055; TOPMed 0.00061; ExAC 0.00069; gnomAD exomes 0.00072; ESP Exome Variant Server 0.00077.
gnomAD v4.1: 1,213 of 1,613,870 alleles (0.075%); highest among the groups gnomAD compares: Middle Eastern, 0.17%; 3 homozygotes.

Submissions (20):

Women's Health and Genetics/Laboratory Corporation of America, LabCorp
Classification: Likely benign. Last evaluated: 2026-06-22. Review status: criteria provided, single submitter. Criteria: LabCorp Variant Classification Summary - May 2015. Collection method: clinical testing. Allele origin: germline.
Comment: Variant summary: CASQ2 c.567C>G (p.Phe189Leu) results in a non-conservative amino acid change in the encoded protein sequence. Algorithms developed to predict the effect of missense changes on protein structure and function all suggest that this variant is likely to be disruptive. The variant allele was found at a frequency of 0.00075 in 1613870 control chromosomes in the gnomAD database, including 3 homozygotes, and was predominantly found within the Ashkenazi Jewish subpopulation at a frequency of 0.0082. The observed variant frequency within Ashkenazi Jewish control individuals in the gnomAD database exceeds the estimated maximal expected allele frequency for disease-causing variants in CASQ2. ClinVar contains an entry for this variant (Variation ID: 162814). Based on the evidence outlined above, the variant was classified as likely benign.

Labcorp Genetics (formerly Invitae), Labcorp
Classification: Likely benign for Catecholaminergic polymorphic ventricular tachycardia 1. Last evaluated: 2026-02-04. Review status: criteria provided, single submitter. Criteria: Invitae Variant Classification Sherloc (09022015). Collection method: clinical testing. Allele origin: germline.

CeGaT Center for Human Genetics Tuebingen
Classification: Likely benign. Last evaluated: 2026-02-01. Review status: criteria provided, single submitter. Criteria: CeGaT Center For Human Genetics Tuebingen Variant Classification Criteria Version 2. Collection method: clinical testing. Allele origin: germline. Affected: yes. Observed: 3 variant alleles.
Comment: CASQ2: BS2

GeneDx
Classification: Uncertain significance. Last evaluated: 2025-08-25. Review status: criteria provided, single submitter. Criteria: GeneDx Variant Classification Process June 2021. Collection method: clinical testing. Allele origin: germline. Affected: yes.
Comment: In silico analysis supports that this missense variant has a deleterious effect on protein structure/function; This variant is associated with the following publications: (PMID: 22198169, 24025405, 21618644, 22421959, 21454795, 23022705, 27538377, 21063088, 28818208, 28404607, 34426522, 25651173, 26671417, 18543230, 37937776)

Molecular Diagnostic Laboratory for Inherited Cardiovascular Disease, Montreal Heart Institute
Classification: Uncertain significance for Cardiovascular phenotype. Last evaluated: 2025-04-09. Review status: criteria provided, single submitter. Criteria: ACMG Guidelines, 2015. Collection method: clinical testing. Allele origin: germline. Affected: yes.

Blueprint Genetics
Classification: Likely benign. Last evaluated: 2024-10-04. Review status: criteria provided, single submitter. Criteria: ACMG Guidelines, 2015. Collection method: clinical testing. Allele origin: germline.

New York Genome Center
Classification: Uncertain significance for Catecholaminergic polymorphic ventricular tachycardia 2. Last evaluated: 2023-05-15. Review status: criteria provided, single submitter. Criteria: NYGC Assertion Criteria 2020. Collection method: clinical testing. Allele origin: germline. Observed: 1 heterozygote.

Revvity Omics, Revvity
Classification: Uncertain significance for Catecholaminergic polymorphic ventricular tachycardia 2. Last evaluated: 2021-09-09. Review status: criteria provided, single submitter. Criteria: ACMG Guidelines, 2015. Collection method: clinical testing. Allele origin: germline.

CHEO Genetics Diagnostic Laboratory, Children's Hospital of Eastern Ontario
Classification: Uncertain significance for Cardiomyopathy. Last evaluated: 2019-11-04. Review status: criteria provided, single submitter. Criteria: ACMG Guidelines, 2015. Collection method: clinical testing. Allele origin: germline.

Center for Advanced Laboratory Medicine, UC San Diego Health, University of California San Diego
Classification: Likely benign for Cardiomyopathy. Last evaluated: 2019-01-24. Review status: criteria provided, single submitter. Criteria: ACMG Guidelines, 2015. Collection method: clinical testing. Allele origin: germline. Affected: yes. Observed: 2 variant alleles.

Ambry Genetics
Classification: Likely benign for Cardiovascular phenotype. Last evaluated: 2018-05-29. Review status: criteria provided, single submitter. Criteria: Ambry Variant Classification Scheme 2023. Collection method: clinical testing. Allele origin: germline.

Biesecker Lab/Clinical Genomics Section, National Institutes of Health
Classification: Uncertain significance for Ventricular tachycardia, polymorphic. Last evaluated: 2018-04-05. Review status: criteria provided, single submitter. Criteria: ACMG Guidelines, 2015. Collection method: research. Allele origin: unknown. Affected: no. Observed: 1 variant allele.
Comment: The study set was not selected for affection status in relation to arrhythmia or cardiomyopathy. Pathogenicity categories were based on literature curation. See Pubmed ID:25741868 for details.

Medical sequencing

Agnes Ginges Centre for Molecular Cardiology, Centenary Institute
Classification: Likely benign for Sudden unexplained death. Last evaluated: 2018-02-09. Review status: criteria provided, single submitter. Criteria: ACMG Guidelines, 2015. Collection method: research. Allele origin: germline. Inheritance: Autosomal unknown. Affected: yes.
Comment: The CASQ2 Phe189Leu variant has been previously reported in 2 CPVT families (Liu QQ, et al, 2008) and one sudden death case (Rajagopalan A & Pollanen MS, 2016). An in vitro functional study performed on Xenopus oocytes, has shown that the variant causes a reduction in hERG function and reduces flexbility of the CASQ2 protein, which suggests it may play a role in the aetiology of CPVT (Eckey K, et al., 2010). However, the use of an in vitro assay on amphibian oocytes may not reflect the actual biological function of the mutated protein in the mammalian heart. The CASQ2 Phe189Leu variant is present in the Exome Aggregation Consortium dataset (MAF= 0.0007) and is particularly common in the European population; allele frequency=0.091, which is higher then expected for an inherited heart condition. Furthermore, one study identified a substantial overrepresentation of CPVT-associated variants in an exome population database (ESP), the authors predict that these variants are not the monogenic cause of CPVT (Jabbari J, et al, 2013). In summary, based on the high allele frequency in the general population and lack of established functional data in mammalian models or other strong data supportive of a pathogenic role, we classify CASQ2 Phe189Leu as "likely benign".

Illumina Laboratory Services, Illumina
Classification: Uncertain significance for Catecholaminergic polymorphic ventricular tachycardia 2. Last evaluated: 2017-04-27. Review status: criteria provided, single submitter. Criteria: ICSL Variant Classification Criteria 13 December 2019. Collection method: clinical testing. Allele origin: germline.
Comment: This variant was observed as part of a predisposition screen in an ostensibly healthy population. A literature search was performed for the gene, cDNA change, and amino acid change (where applicable). Publications were found based on this search. However, the evidence from the literature, in combination with allele frequency data from public databases where available, was not sufficient to rule this variant in or out of causing disease. Therefore, this variant is classified as a variant of unknown significance.

Eurofins Ntd Llc (ga)
Classification: Uncertain significance. Last evaluated: 2014-09-03. Review status: criteria provided, single submitter. Criteria: EGL Classification Definitions 2015. Collection method: clinical testing. Allele origin: germline. Observed: 3 variant alleles, 3 heterozygotes.

Laboratory for Molecular Medicine, Mass General Brigham Personalized Medicine
Classification: Uncertain significance. Last evaluated: 2013-12-06. Review status: criteria provided, single submitter. Criteria: LMM Criteria. Collection method: clinical testing. Allele origin: germline. Observed: 2 variant alleles.
Comment: The Phe189Leu variant in CASQ2 has been reported in the heterozygous state in 1 individual with CPVT (Liu 2008). This variant is present at low frequency in var ious large populations, for example in 0.1% (9/8600) of European American chromo somes screened by the NHLBI Exome Sequencing Project (du/EVS/; dbSNP rs146664754). Studies have shown that the Phe189Leu variant may i mpactthe protein (Eckey 2010). However, this in vitro assay may not accurately r epresent biological function. Computational analyses (biochemical amino acid pro perties, conservation, AlignGVGD, PolyPhen2, and SIFT) suggest that the Phe189Le u variant may impact the protein, though this information is not predictive enou gh to determine pathogenicity. In summary, the available information for this va riant is somewhat conflicting. Additional information is needed to fully assess its clinical significance.

PreventionGenetics, part of Exact Sciences
Classification: Likely benign for CASQ2-related condition. Last evaluated: 2022-09-15. Review status: no assertion criteria provided. Collection method: clinical testing. Allele origin: germline. Not counted in ClinVar's aggregate classification.
Comment: This variant is classified as likely benign based on ACMG/AMP sequence variant interpretation guidelines (Richards et al. 2015 PMID: 25741868, with internal and published modifications).

Knight Diagnostic Laboratories, Oregon Health and Sciences University
Classification: Uncertain significance for Catecholaminergic polymorphic ventricular tachycardia 2. Last evaluated: 2015-08-13. Review status: no assertion criteria provided. Criteria: ACMG Guidelines, 2015. Collection method: clinical testing. Allele origin: germline. Affected: no. Study: CSER-NextGen. Not counted in ClinVar's aggregate classification.

Clinical Genetics DNA and cytogenetics Diagnostics Lab, Erasmus MC, Erasmus Medical Center
Classification: Likely benign. Review status: no assertion criteria provided. Collection method: clinical testing. Allele origin: germline. Affected: yes. Study: VKGL Data-share Consensus. Not counted in ClinVar's aggregate classification.

Joint Genome Diagnostic Labs from Nijmegen and Maastricht, Radboudumc and MUMC+
Classification: Likely benign. Review status: no assertion criteria provided. Collection method: clinical testing. Allele origin: germline. Affected: yes. Study: VKGL Data-share Consensus. Not counted in ClinVar's aggregate classification.

Literature cited by the submitters: PubMed 21063088 (cited by 5 submitters); PubMed 26671417 (cited by 3 submitters); PubMed 24025405 (cited by 3 submitters); PubMed 18543230 (cited by 3 submitters); PubMed 22421959 (cited by Illumina Laboratory Services, Illumina); PubMed 25651173 (cited by Illumina Laboratory Services, Illumina); PubMed 21454795 (cited by Illumina Laboratory Services, Illumina); PubMed 12034872 (cited by Illumina Laboratory Services, Illumina).